The following is an entry in ClinVar:

NM_017780.4(CHD7):c.1928A>C (p.Lys643Thr)

Genes: CHD7 (chromodomain helicase DNA binding protein 7; plus strand), LOC126860403 (CDK7 strongly-dependent group 2 enhancer GRCh37_chr8:61693034-61694233; plus strand). Cytogenetic location: 8q12.2.
Variant type: single nucleotide variant.
Coding change: c.1928A>C on transcript NM_017780.4 (MANE Select); coding-DNA position 1928, A replaced by C.
Protein change: p.Lys643Thr; replaces lysine 643 with threonine.
Molecular consequence: missense variant. On other transcripts: intron variant (1).
Genome position (GRCh38, 1-based): chr8:60,781,262, A>C. VCF-style: chr8-60781262-A-C. GRCh37 (hg19) VCF-style: chr8-61693821-A-C.
Other names: c.1716+212A>C (NM_001316690.1); short protein forms K643T.
Identifiers: ClinVar variation 2744564 (VCV002744564.3), dbSNP rs2487539362, ClinGen allele CA371313060.

ClinVar aggregate classification (germline): Uncertain significance (1 of 4 stars; one submission).

Conditions:
CHARGE syndrome (CHARGE). Also called: Hittner Hirsch Kreh syndrome; CHARGE ASSOCIATION--COLOBOMA, HEART ANOMALY, CHOANAL ATRESIA, RETARDATION, GENITAL AND EAR ANOMALIES; Coloboma, heart anomaly, choanal atresia, retardation, genital and ear anomalies; CHARGE association; Hall-Hittner syndrome. Identifiers: Orphanet 138, MedGen C0265354, MONDO:0008965.

Submission:

Labcorp Genetics (formerly Invitae), Labcorp
Classification: Uncertain significance for CHARGE syndrome. Last evaluated: 2023-05-05. Review status: criteria provided, single submitter. Criteria: Invitae Variant Classification Sherloc (09022015). Collection method: clinical testing. Allele origin: germline.
Comment: In summary, the available evidence is currently insufficient to determine the role of this variant in disease. Therefore, it has been classified as a Variant of Uncertain Significance. Advanced modeling of protein sequence and biophysical properties (such as structural, functional, and spatial information, amino acid conservation, physicochemical variation, residue mobility, and thermodynamic stability) performed at Invitae indicates that this missense variant is not expected to disrupt CHD7 protein function. This variant has not been reported in the literature in individuals affected with CHD7-related conditions. This variant is not present in population databases (gnomAD no frequency). This sequence change replaces lysine, which is basic and polar, with threonine, which is neutral and polar, at codon 643 of the CHD7 protein (p.Lys643Thr).